The following is an entry in ClinVar:

ClinVar aggregate classification (germline): Uncertain significance. Review status: criteria provided, multiple submitters, no conflicts (2 of 4 stars). 3 submissions from 3 submitters: Uncertain significance (3). Last evaluated 2025-12-11.

Conditions:
Cardiovascular phenotype. Identifiers: MedGen CN230736.
Dilated cardiomyopathy 1C (CMD1C). Also called: CARDIOMYOPATHY, DILATED, 1C, WITH OR WITHOUT LEFT VENTRICULAR NONCOMPACTION; Cardiomyopathy, dilated, 1C, with or without LVNC. Identifiers: Orphanet 154, Orphanet 54260, MedGen C1832244, MONDO:0011094, OMIM 601493.
Myofibrillar myopathy 4. Also called: Zaspopathy (type). Identifiers: Orphanet 98912, MedGen C4721886, MONDO:0012277, OMIM 609452.

Allele frequency attached by ClinVar (database versions not stated): ESP Exome Variant Server 0.00008; gnomAD exomes 0.00001 and 0.00002; gnomAD 0.00003 and 0.00004; TOPMed 0.00005; ExAC 0.00001.
gnomAD v4.1: 30 of 1,614,064 alleles (0.0019%); highest among the groups gnomAD compares: African/African-American, 0.0067%; no homozygotes.

Submissions (3):

Ambry Genetics
Classification: Uncertain significance for Cardiovascular phenotype. Last evaluated: 2025-12-11. Review status: criteria provided, single submitter. Criteria: Ambry Variant Classification Scheme 2023. Collection method: clinical testing. Allele origin: germline.

Labcorp Genetics (formerly Invitae), Labcorp
Classification: Uncertain significance for Myofibrillar myopathy 4. Last evaluated: 2025-10-04. Review status: criteria provided, single submitter. Criteria: Invitae Variant Classification Sherloc (09022015). Collection method: clinical testing. Allele origin: germline.
Comment: This sequence change replaces glutamic acid, which is acidic and polar, with lysine, which is basic and polar, at codon 215 of the LDB3 protein (p.Glu215Lys). This variant is present in population databases (rs374168618, gnomAD 0.007%). This variant has not been reported in the literature in individuals affected with LDB3-related conditions. ClinVar contains an entry for this variant (Variation ID: 839351). An algorithm developed to predict the effect of missense changes on protein structure and function (PolyPhen-2) suggests that this variant is likely to be disruptive. In summary, the available evidence is currently insufficient to determine the role of this variant in disease. Therefore, it has been classified as a Variant of Uncertain Significance.

Fulgent Genetics
Classification: Uncertain significance for Dilated cardiomyopathy 1C; Myofibrillar myopathy 4. Last evaluated: 2021-07-05. Review status: criteria provided, single submitter. Criteria: ACMG Guidelines, 2015. Collection method: clinical testing. Allele origin: unknown.

NM_007078.3(LDB3):c.784G>A (p.Glu262Lys)

Gene: LDB3 (LIM domain binding 3; plus strand). Cytogenetic location: 10q23.2.
Variant type: single nucleotide variant.
Coding change: c.784G>A on transcript NM_007078.3 (MANE Select); coding-DNA position 784, G replaced by A.
Protein change: p.Glu262Lys; replaces glutamic acid 262 with lysine.
Molecular consequence: missense variant.
Genome position (GRCh38, 1-based): chr10:86,691,990, G>A. VCF-style: chr10-86691990-G-A. GRCh37 (hg19) VCF-style: chr10-88451747-G-A.
Other names: c.784G>A (NM_007078.2); c.643G>A, p.Glu215Lys (NM_001080116.1, NM_001080114.2, NM_001368066.1 and 2 more transcripts); c.784G>A, p.Glu262Lys (NM_001080115.2, NM_001368063.1, NM_001368064.1 and 1 more transcripts); c.988G>A, p.Glu330Lys (NM_001171610.2, NM_001171611.2); short protein forms E215K, E262K, E330K.
Identifiers: ClinVar variation 839351 (VCV000839351.19), dbSNP rs374168618, ClinGen allele CA5584891.
Genomic context (GRCh38, chr10:86,691,990, plus strand): 5'-GCCTCTCCCGTCTACCAGGCTGTGATTAAGAGCCAGAACAAGCCAGAAGATGAGGCTGAC[G>A]AGTGGGCACGCCGTTCCTCCAACCTGCAGTCTCGCTCCTTCCGCATCCTGGCCCAGATGA-3'
Protein context (NP_009009.1, residues 252-272): SQNKPEDEAD[Glu262Lys]WARRSSNLQS